The following is an entry in ClinVar:

NM_003126.4(SPTA1):c.*295C>T

Genes: SPTA1 (spectrin alpha, erythrocytic 1; minus strand), OR10Z1 (olfactory receptor family 10 subfamily Z member 1; plus strand). Cytogenetic location: 1q23.1.
Variant type: single nucleotide variant.
Coding change: c.*295C>T on transcript NM_003126.4 (MANE Select); 295 bases downstream of the stop codon, C replaced by T.
Molecular consequence: 3 prime UTR variant.
Genome position (GRCh38, 1-based): chr1:158,610,969, G>A on the plus strand (C>T on the coding strand, the complement: SPTA1 is on the minus strand). VCF-style: chr1-158610969-G-A. GRCh37 (hg19) VCF-style: chr1-158580759-G-A.
Identifiers: ClinVar variation 292920 (VCV000292920.10), dbSNP rs12601, ClinGen allele CA10608008.
Genomic context (GRCh38, chr1:158,610,969, plus strand): 5'-AAATATTTTTAAAAAGAATTACTTTATTCTATAATCGGAATAAAGCAAAATGATAAAGAC[G>A]TGCAAAACAGAACAAATAAAAATAGAAACTTTGACACCCCTCAGCAGTGACTAGTTGCAT-3'

ClinVar aggregate classification (germline): Benign. Review status: criteria provided, multiple submitters, no conflicts (2 of 4 stars). 6 submissions from 4 submitters: Benign (6). Last evaluated 2022-10-21.

Conditions:
Pyropoikilocytosis, hereditary. Also called: Pyropoikilocytosis. Identifiers: MedGen C0520739, MONDO:0009948, OMIM 266140, HP:0004839. Disease mechanism: loss of function.
Hereditary spherocytosis type 3. Also called: Spherocytosis type 3; SPTA1-Related Spherocytosis. Identifiers: Orphanet 822, MedGen C2678338, MONDO:0010053, OMIM 270970.
Elliptocytosis 2 (EL2). Also called: ELLIPTOCYTOSIS, RHESUS-UNLINKED TYPE. Identifiers: Orphanet 288, MedGen C1851741, MONDO:0007533, OMIM 130600.

Allele frequency attached by ClinVar (database versions not stated): 1000 Genomes Project 30x 0.50156; 1000 Genomes Project 0.50399; TOPMed 0.51506; gnomAD 0.52165 and 0.52219; gnomAD exomes 0.53204.
gnomAD v4.1: 163,508 of 309,906 alleles (53%); highest among the groups gnomAD compares: East Asian, 61%; 44,059 homozygotes.

Submissions (6):

Mayo Clinic Laboratories, Mayo Clinic
Classification: Benign. Last evaluated: 2022-10-21. Review status: criteria provided, single submitter. Criteria: ACMG Guidelines, 2015. Collection method: clinical testing. Allele origin: germline. Observed: 754 variant alleles.

GeneDx
Classification: Benign. Last evaluated: 2018-11-12. Review status: criteria provided, single submitter. Criteria: GeneDx Variant Classification Process June 2021. Collection method: clinical testing. Allele origin: germline. Affected: yes.

Illumina Laboratory Services, Illumina
Classification: Benign for Hereditary spherocytosis type 3. Last evaluated: 2018-01-13. Review status: criteria provided, single submitter. Criteria: ICSL Variant Classification Criteria 13 December 2019. Collection method: clinical testing. Allele origin: germline.
Comment: This variant was observed in the ICSL laboratory as part of a predisposition screen in an ostensibly healthy population. It had not been previously curated by ICSL or reported in the Human Gene Mutation Database (HGMD: prior to June 1st, 2018), and was therefore a candidate for classification through an automated scoring system. Utilizing variant allele frequency, disease prevalence and penetrance estimates, and inheritance mode, an automated score was calculated to assess if this variant is too frequent to cause the disease. Based on the score and internal cut-off values, a variant classified as benign is not then subjected to further curation. The score for this variant resulted in a classification of benign for this disease.

Illumina Laboratory Services, Illumina
Classification: Benign for Elliptocytosis 2. Last evaluated: 2018-01-13. Review status: criteria provided, single submitter. Criteria: ICSL Variant Classification Criteria 13 December 2019. Collection method: clinical testing. Allele origin: germline.
Comment: the same text as in the submission from Illumina Laboratory Services, Illumina above.

Illumina Laboratory Services, Illumina
Classification: Benign for Pyropoikilocytosis, hereditary. Last evaluated: 2018-01-13. Review status: criteria provided, single submitter. Criteria: ICSL Variant Classification Criteria 13 December 2019. Collection method: clinical testing. Allele origin: germline.
Comment: the same text as in the submission from Illumina Laboratory Services, Illumina above.

Breakthrough Genomics
Classification: Benign. Review status: criteria provided, single submitter. Criteria: ACMG Guidelines, 2015. Collection method: not provided. Allele origin: germline. Inheritance: Autosomal recessive inheritance. Affected: yes.